The following is an entry in ClinVar:

ClinVar aggregate classification (germline): Conflicting classifications of pathogenicity. Review status: criteria provided, conflicting classifications (1 of 4 stars). 6 submissions from 6 submitters: Uncertain significance (2); Benign (1); Likely benign (2). 1 of the submissions does not count toward it. Last evaluated 2026-04-17.

Conditions:
DICER1-related tumor predisposition. Also called: DICER1-related pleuropulmonary blastoma cancer predisposition syndrome; DICER1 syndrome. Identifiers: Orphanet 284343, MedGen C3839822, MONDO:0100216.
DICER1-related disorder. Also called: DICER1-related condition.
Hereditary cancer-predisposing syndrome. Also called: Hereditary Cancer Syndrome; Neoplastic Syndromes, Hereditary; Hereditary neoplastic syndrome; Tumor predisposition. Identifiers: Orphanet 140162, MedGen C0027672, MeSH D009386, MONDO:0015356.

Allele frequency attached by ClinVar (database versions not stated): TOPMed 0.00014; gnomAD exomes 0.00001; gnomAD 0.00006 and 0.00007; ExAC 0.00001; 1000 Genomes Project 30x 0.00031; 1000 Genomes Project 0.00040.
gnomAD v4.1: 20 of 1,614,226 alleles (0.0012%); highest among the groups gnomAD compares: Admixed American, 0.025%; no homozygotes.

Submissions (6):

Myriad Genetics, Inc.
Classification: Benign for DICER1-related tumor predisposition. Last evaluated: 2026-04-17. Review status: criteria provided, single submitter. Criteria: Myriad Autosomal Dominant, Autosomal Recessive and X-Linked Classification Criteria (2023). Collection method: clinical testing. Allele origin: unknown.
Comment: This variant is considered benign. This variant is a silent/synonymous amino acid change and it is not expected to impact splicing.

Labcorp Genetics (formerly Invitae), Labcorp
Classification: Likely benign for DICER1-related tumor predisposition. Last evaluated: 2026-01-19. Review status: criteria provided, single submitter. Criteria: Invitae Variant Classification Sherloc (09022015). Collection method: clinical testing. Allele origin: germline.

Quest Diagnostics Nichols Institute San Juan Capistrano
Classification: Uncertain significance. Last evaluated: 2025-04-25. Review status: criteria provided, single submitter. Criteria: Quest Diagnostics criteria. Collection method: clinical testing. Allele origin: unknown.
Comment: The DICER1 c.3939G>A (p.Glu1313=) synonymous variant has been reported in the published literature in a study investigating germline variants in DICER1, however limited information regarding the clinical significance of this variant was provided (PMID: 33630087 (2021)). The frequency of this variant in the general population (Genome Aggregation Database) is uninformative in the assessment of its pathogenicity. Analysis of this variant using software algorithms for the prediction of the effect of nucleotide changes on splicing yielded predictions that this variant does not affect DICER1 mRNA splicing. Based on the available information, we are unable to determine the clinical significance of this variant.

Sema4
Classification: Uncertain significance for Hereditary cancer-predisposing syndrome. Last evaluated: 2021-10-04. Review status: criteria provided, single submitter. Criteria: Sema4 Curation Guidelines. Collection method: curation. Allele origin: germline.
Comment: The DICER1 c.3939G>A (p.E1313=) variant has not been reported in the literature to our knowledge. It was observed in 2/34580 chromosomes of the Latino subpopulation in the large and broad cohorts of the Genome Aggregation Database (PMID: 32461654). The variant has been reported in ClinVar (Variation ID 417072). The affected nucleotide is moderately conserved and In silico tools suggest that the variant does not impact splicing, though these predictions have not been confirmed by functional studies. The evidence is insufficient to meet ACMG/AMP criteria for classifying the variant as benign or pathogenic. Thus, the clinical significance of this variant is currently uncertain.

Ambry Genetics
Classification: Likely benign for Hereditary cancer-predisposing syndrome. Last evaluated: 2017-05-31. Review status: criteria provided, single submitter. Criteria: Ambry Variant Classification Scheme 2023. Collection method: clinical testing. Allele origin: germline.

PreventionGenetics, part of Exact Sciences
Classification: Likely benign for DICER1-related condition. Last evaluated: 2021-03-02. Review status: no assertion criteria provided. Collection method: clinical testing. Allele origin: germline. Not counted in ClinVar's aggregate classification.
Comment: This variant is classified as likely benign based on ACMG/AMP sequence variant interpretation guidelines (Richards et al. 2015 PMID: 25741868, with internal and published modifications).

Literature cited by the submitters: PubMed 33630087 (cited by Quest Diagnostics Nichols Institute San Juan Capistrano).

NM_177438.3(DICER1):c.3939G>A (p.Glu1313=)

Gene: DICER1 (dicer 1, ribonuclease III; minus strand). Cytogenetic location: 14q32.13.
Variant type: single nucleotide variant.
Coding change: c.3939G>A on transcript NM_177438.3 (MANE Select); coding-DNA position 3939, G replaced by A.
Protein change: p.Glu1313=; no amino-acid change (glutamic acid 1313 retained).
Molecular consequence: synonymous variant.
Genome position (GRCh38, 1-based): chr14:95,103,457, C>T on the plus strand (G>A on the coding strand, the complement: DICER1 is on the minus strand). VCF-style: chr14-95103457-C-T. GRCh37 (hg19) VCF-style: chr14-95569794-C-T.
Other names: c.3939G>A, p.Glu1313= (NM_001195573.1, NM_001271282.3, NM_001291628.2 and 1 more transcripts).
Identifiers: ClinVar variation 417072 (VCV000417072.21), dbSNP rs191567701, ClinGen allele CA7330969.